The following is an entry in ClinVar:

NM_025114.4(CEP290):c.2168G>A (p.Arg723Gln)

Gene: CEP290 (centrosomal protein 290; minus strand). Cytogenetic location: 12q21.32.
Variant type: single nucleotide variant.
Coding change: c.2168G>A on transcript NM_025114.4 (MANE Select); coding-DNA position 2168, G replaced by A.
Protein change: p.Arg723Gln; replaces arginine 723 with glutamine.
Molecular consequence: missense variant.
Genome position (GRCh38, 1-based): chr12:88,111,743, C>T on the plus strand (G>A on the coding strand, the complement: CEP290 is on the minus strand). VCF-style: chr12-88111743-C-T. GRCh37 (hg19) VCF-style: chr12-88505520-C-T.
Other names: short protein forms R723Q.
Identifiers: ClinVar variation 953822 (VCV000953822.8), dbSNP rs764117043, ClinGen allele CA6712390.

ClinVar aggregate classification (germline): Uncertain significance. Review status: criteria provided, single submitter (1 of 4 stars). 3 submissions from 3 submitters: Uncertain significance (1). 2 of the submissions do not count toward it. Last evaluated 2022-08-16.

Conditions:
CEP290-related disorder. Also called: CEP290-related condition; CEP290-related disorders. Identifiers: MedGen CN239314.
Meckel-Gruber syndrome. Also called: Dysencephalia splachnocystica; DYSENCEPHALIA SPLANCHNOCYSTICA; GRUBER SYNDROME. Identifiers: Orphanet 564, MedGen C0265215, MONDO:0018921.
Nephronophthisis. Also called: Juvenile Nephronophthisis. Identifiers: Orphanet 655, MedGen C0687120, MONDO:0019005, HP:0000090.
Joubert syndrome. Also called: Familial aplasia of the vermis; CEREBELLOPARENCHYMAL DISORDER IV; JOUBERT-BOLTSHAUSER SYNDROME. Identifiers: Orphanet 475, MedGen C5979921, MONDO:0018772.
Leber congenital amaurosis (LCA). Also called: Leber's amaurosis. Identifiers: Orphanet 65, MedGen C0339527, MeSH D057130, MONDO:0018998.

Allele frequency attached by ClinVar (database versions not stated): gnomAD exomes 0.00001 and below 0.00001; ExAC 0.00002; TOPMed below 0.00001; gnomAD 0.00001.
gnomAD v4.1: 17 of 1,601,170 alleles (0.0011%); highest among the groups gnomAD compares: African/African-American, 0.0054%; no homozygotes.

Submissions (3):

Labcorp Genetics (formerly Invitae), Labcorp
Classification: Uncertain significance for Joubert syndrome; Meckel-Gruber syndrome; Nephronophthisis. Last evaluated: 2022-08-16. Review status: criteria provided, single submitter. Criteria: Invitae Variant Classification Sherloc (09022015). Collection method: clinical testing. Allele origin: germline.
Comment: This sequence change replaces arginine, which is basic and polar, with glutamine, which is neutral and polar, at codon 723 of the CEP290 protein (p.Arg723Gln). This variant is present in population databases (rs764117043, gnomAD 0.007%). This variant has not been reported in the literature in individuals affected with CEP290-related conditions. ClinVar contains an entry for this variant (Variation ID: 953822). Algorithms developed to predict the effect of missense changes on protein structure and function are either unavailable or do not agree on the potential impact of this missense change (SIFT: "Tolerated"; PolyPhen-2: "Possibly Damaging"; Align-GVGD: "Class C0"). In summary, the available evidence is currently insufficient to determine the role of this variant in disease. Therefore, it has been classified as a Variant of Uncertain Significance.

PreventionGenetics, part of Exact Sciences
Classification: Uncertain significance for CEP290-related condition. Last evaluated: 2024-04-16. Review status: no assertion criteria provided. Collection method: clinical testing. Allele origin: germline. Not counted in ClinVar's aggregate classification.
Comment: The CEP290 c.2168G>A variant is predicted to result in the amino acid substitution p.Arg723Gln. To our knowledge, this variant has not been reported in the literature. This variant is reported in 0.0068% of alleles in individuals of African descent in gnomAD. At this time, the clinical significance of this variant is uncertain due to the absence of conclusive functional and genetic evidence.

Natera, Inc.
Classification: Uncertain significance for Leber congenital amaurosis. Last evaluated: 2020-10-01. Review status: no assertion criteria provided. Collection method: clinical testing. Allele origin: germline. Not counted in ClinVar's aggregate classification.